The following is an entry in ClinVar:

NM_000123.4(ERCC5):c.1119C>T (p.Asn373=)

Genes: BIVM-ERCC5 (BIVM-ERCC5 readthrough; plus strand), ERCC5 (ERCC excision repair 5, endonuclease; plus strand). Cytogenetic location: 13q33.1.
Variant type: single nucleotide variant.
Coding change: c.1119C>T on transcript NM_000123.4 (MANE Select); coding-DNA position 1119, C replaced by T.
Protein change: p.Asn373=; no amino-acid change (asparagine 373 retained).
Molecular consequence: synonymous variant.
Genome position (GRCh38, 1-based): chr13:102,862,268, C>T. VCF-style: chr13-102862268-C-T. GRCh37 (hg19) VCF-style: chr13-103514618-C-T.
Other names: c.2481C>T, p.Asn827= (NM_001204425.2).
Identifiers: ClinVar variation 3025373 (VCV003025373.22), dbSNP rs375599456, ClinGen allele CA7041352.

ClinVar aggregate classification (germline): Likely benign (1 of 4 stars; one submission).

Allele frequency attached by ClinVar (database versions not stated): ExAC 0.00004; TOPMed 0.00005; gnomAD 0.00007; ESP Exome Variant Server 0.00015.
gnomAD v4.1: 55 of 1,614,076 alleles (0.0034%); highest among the groups gnomAD compares: South Asian, 0.019%; no homozygotes.

Submission:

CeGaT Center for Human Genetics Tuebingen
Classification: Likely benign. Last evaluated: 2024-02-01. Review status: criteria provided, single submitter. Criteria: CeGaT Center For Human Genetics Tuebingen Variant Classification Criteria Version 2. Collection method: clinical testing. Allele origin: germline. Affected: yes. Observed: 1 variant allele.
Comment: ERCC5: BP4, BP7